The following is an entry in ClinVar:

ClinVar aggregate classification (germline): Uncertain significance (1 of 4 stars; one submission).

Submission:

CeGaT Center for Human Genetics Tuebingen
Classification: Uncertain significance. Last evaluated: 2024-07-01. Review status: criteria provided, single submitter. Criteria: CeGaT Center For Human Genetics Tuebingen Variant Classification Criteria Version 2. Collection method: clinical testing. Allele origin: germline. Affected: yes. Observed: 1 variant allele.
Comment: SLC6A8: PM2, PP2, PP3

NM_005629.4(SLC6A8):c.500T>G (p.Leu167Arg)

Gene: SLC6A8 (solute carrier family 6 member 8; plus strand). Cytogenetic location: Xq28.
Variant type: single nucleotide variant.
Coding change: c.500T>G on transcript NM_005629.4 (MANE Select); coding-DNA position 500, T replaced by G.
Protein change: p.Leu167Arg; replaces leucine 167 with arginine.
Molecular consequence: missense variant.
Genome position (GRCh38, 1-based): chrX:153,691,409, T>G. VCF-style: chrX-153691409-T-G. GRCh37 (hg19) VCF-style: chrX-152956864-T-G.
Other names: c.500T>G, p.Leu167Arg (NM_001142805.2); c.155T>G, p.Leu52Arg (NM_001142806.1); short protein forms L167R, L52R.
Identifiers: ClinVar variation 3257504 (VCV003257504.17).